The following is an entry in ClinVar:

NM_015450.3(POT1):c.1290A>C (p.Lys430Asn)

Gene: POT1 (protection of telomeres 1; minus strand). Cytogenetic location: 7q31.33.
Variant type: single nucleotide variant.
Coding change: c.1290A>C on transcript NM_015450.3 (MANE Select); coding-DNA position 1290, A replaced by C.
Protein change: p.Lys430Asn; replaces lysine 430 with asparagine.
Molecular consequence: missense variant. On other transcripts: non-coding transcript variant (3).
Genome position (GRCh38, 1-based): chr7:124,841,052, T>G on the plus strand (A>C on the coding strand, the complement: POT1 is on the minus strand). VCF-style: chr7-124841052-T-G. GRCh37 (hg19) VCF-style: chr7-124481106-T-G.
Other names: c.897A>C, p.Lys299Asn (NM_001042594.2); short protein forms K299N, K430N.
Identifiers: ClinVar variation 3781986 (VCV003781986.1).
Genomic context (GRCh38, chr7:124,841,052, plus strand): 5'-TTCATTTGAAAGCGGGAGAATACCATTATTTTTCACAAAATGAACTGCTACTTTTCGTCC[T>G]TTTTGATTTTTAGTGGTCCAGATTTTTGAATCATATAATGATGTATTTTGTAGCTTGACA-3'
Protein context (NP_056265.2, residues 420-440): DSKIWTTKNQ[Lys430Asn]GRKVAVHFVK

ClinVar aggregate classification (germline): Uncertain significance (1 of 4 stars; one submission).

Conditions:
Hereditary cancer-predisposing syndrome. Also called: Neoplastic Syndromes, Hereditary; Hereditary Cancer Syndrome; Tumor predisposition; Hereditary neoplastic syndrome. Identifiers: Orphanet 140162, MedGen C0027672, MeSH D009386, MONDO:0015356.

Submission:

Ambry Genetics
Classification: Uncertain significance for Hereditary cancer-predisposing syndrome. Last evaluated: 2024-12-21. Review status: criteria provided, single submitter. Criteria: Ambry Variant Classification Scheme 2023. Collection method: clinical testing. Allele origin: germline.
Comment: The p.K430N variant (also known as c.1290A>C), located in coding exon 10 of the POT1 gene, results from an A to C substitution at nucleotide position 1290. The lysine at codon 430 is replaced by asparagine, an amino acid with similar properties. This amino acid position is conserved. In addition, this alteration is predicted to be tolerated by in silico analysis. Based on the available evidence, the clinical significance of this variant remains unclear.